The following is an entry in ClinVar:

NM_001369.3(DNAH5):c.6265G>A (p.Gly2089Arg)

Gene: DNAH5 (dynein axonemal heavy chain 5; minus strand). Cytogenetic location: 5p15.2.
Variant type: single nucleotide variant.
Coding change: c.6265G>A on transcript NM_001369.3 (MANE Select); coding-DNA position 6265, G replaced by A.
Protein change: p.Gly2089Arg; replaces glycine 2089 with arginine.
Molecular consequence: missense variant.
Genome position (GRCh38, 1-based): chr5:13,829,689, C>T on the plus strand (G>A on the coding strand, the complement: DNAH5 is on the minus strand). VCF-style: chr5-13829689-C-T. GRCh37 (hg19) VCF-style: chr5-13829798-C-T.
Other names: short protein forms G2089R.
Identifiers: ClinVar variation 1752513 (VCV001752513.5), dbSNP rs767274970, ClinGen allele CA3203439.

ClinVar aggregate classification (germline): Conflicting classifications of pathogenicity. Review status: criteria provided, conflicting classifications (1 of 4 stars). 2 submissions from 2 submitters: Uncertain significance (1); Likely benign (1). Last evaluated 2024-02-02.

Conditions:
Primary ciliary dyskinesia. Also called: Ciliary dyskinesia. Identifiers: Orphanet 244, MedGen C0008780, MONDO:0016575, HP:0012265.

Allele frequency attached by ClinVar (database versions not stated): gnomAD exomes below 0.00001; ExAC 0.00001; gnomAD 0.00001.
gnomAD v4.1: 6 of 1,613,954 alleles (0.00037%); highest among the groups gnomAD compares: South Asian, 0.0044%; no homozygotes.

Submissions (2):

Labcorp Genetics (formerly Invitae), Labcorp
Classification: Likely benign for Primary ciliary dyskinesia. Last evaluated: 2024-02-02. Review status: criteria provided, single submitter. Criteria: Invitae Variant Classification Sherloc (09022015). Collection method: clinical testing. Allele origin: germline.

Ambry Genetics
Classification: Uncertain significance for Primary ciliary dyskinesia. Last evaluated: 2015-05-26. Review status: criteria provided, single submitter. Criteria: Ambry Variant Classification Scheme 2023. Collection method: clinical testing. Allele origin: germline.
Comment: The p.G2089R variant (also known as c.6265G>A), located in coding exon 38 of the DNAH5 gene, results from a G to A substitution at nucleotide position 6265. The glycine at codon 2089 is replaced by arginine, an amino acid with dissimilar properties. This variant was not reported in population based cohorts in the following databases: Database of Single Nucleotide Polymorphisms (dbSNP), NHLBI Exome Sequencing Project (ESP), and 1000 Genomes Project. In the ESP, this variant was not observed in 6503 samples (13006 alleles) with coverage at this position. This amino acid position is highly conserved in available vertebrate species. In addition, the in silico prediction for this alteration is inconclusive. Since supporting evidence is limited at this time, the clinical significance of this variant remains unclear.